The following is an entry in ClinVar:

ClinVar aggregate classification (germline): Pathogenic (1 of 4 stars; one submission).

Submission:

ISCA site 15
Classification: Pathogenic. Last evaluated: 2011-08-12. Review status: criteria provided, single submitter. Criteria: Kaminsky et al. (Genet Med. 2011). Collection method: clinical testing. Allele origin: unknown. Affected: yes. Observed: 1 variant allele.
Comment: Copy number variation identified through the course of routine clinical cytogenomic testing in postnatal populations. Clinical assertions have been curated as described in Kaminsky et al. 2011.

GRCh38/hg38 1p36.33-36.32(chr1:826553-4719105)x3

Genes: ACAP3 (ArfGAP with coiled-coil, ankyrin repeat and PH domains 3; minus strand), ACTRT2 (actin related protein T2; plus strand), AGRN (agrin; plus strand), AJAP1 (adherens junctions associated protein 1; plus strand), ANKRD65 (ankyrin repeat domain 65; minus strand) and 329 more. Cytogenetic location: 1p36.33-36.32.
Variant type: copy number gain.
Change: copy number 3 (three copies instead of two) of chr1:826,553-4,719,105 (3.89 Mb, GRCh38 coordinates, 1-based), cytogenetic band 1p36.33-36.32.
Identifiers: ClinVar variation 58037 (VCV000058037.1).